The following is an entry in ClinVar:

ClinVar aggregate classification (germline): Uncertain significance (1 of 4 stars; one submission).

Conditions:
Cardiovascular phenotype. Identifiers: MedGen CN230736.

Allele frequency attached by ClinVar (database versions not stated): gnomAD 0.00001; TOPMed 0.00001.
gnomAD v4.1: 1 of 1,605,300 alleles (0.000062%); highest among the groups gnomAD compares: Admixed American, 0.0017%; no homozygotes.

Submission:

Ambry Genetics
Classification: Uncertain significance for Cardiovascular phenotype. Last evaluated: 2020-07-08. Review status: criteria provided, single submitter. Criteria: Ambry Variant Classification Scheme 2023. Collection method: clinical testing. Allele origin: germline.
Comment: The c.14689+5A>C intronic variant results from an A to C substitution 5 nucleotides after coding exon 54 in the TTN gene. This nucleotide position is not well conserved in available vertebrate species. Using the BDGP and ESEfinder splice site prediction tools, this alteration is not predicted to have any significant effect on this splice donor site; however, direct evidence is unavailable. Since supporting evidence is limited at this time, the clinical significance of this alteration remains unclear.

NM_001267550.2(TTN):c.41884+5A>C

Gene: TTN (titin; minus strand). Cytogenetic location: 2q31.2.
Variant type: single nucleotide variant.
Coding change: c.41884+5A>C on transcript NM_001267550.2 (MANE Select); 5 bases into the intron after coding-DNA position 41884, A replaced by C.
Molecular consequence: intron variant.
Genome position (GRCh38, 1-based): chr2:178,635,435, T>G on the plus strand (A>C on the coding strand, the complement: TTN is on the minus strand). VCF-style: chr2-178635435-T-G. GRCh37 (hg19) VCF-style: chr2-179500162-T-G.
Other names: c.14689+5A>C (NM_003319.4); c.15265+5A>C (NM_133437.4); c.15064+5A>C (NM_133432.3); c.34180+5A>C (NM_133378.4); c.36961+5A>C (NM_001256850.1).
Identifiers: ClinVar variation 1773290 (VCV001773290.2), dbSNP rs1470808886, ClinGen allele CA761291365.
Genomic context (GRCh38, chr2:178,635,435, plus strand): 5'-GGTGTGTTATTTGGCTTTACACATACGCAAAACTTATAATTTGAATAAAAGGTAAGATTT[T>G]ATACCTCCAAGTGTCAGCTTTGCAGGGTATCTTTTTCCTTCAATTTCCACTGCATACTCA-3'